The following is an entry in ClinVar:

ClinVar aggregate classification (germline): Uncertain significance (1 of 4 stars; one submission).

Conditions:
Inborn genetic diseases. Identifiers: MedGen C0950123, MeSH D030342.

gnomAD v4.1: 1 of 1,614,138 alleles (0.000062%); highest among the groups gnomAD compares: Non-Finnish European, 0.000085%; no homozygotes.

Submission:

Ambry Genetics
Classification: Uncertain significance for Inborn genetic diseases. Last evaluated: 2025-05-27. Review status: criteria provided, single submitter. Criteria: Ambry Variant Classification Scheme 2023. Collection method: clinical testing. Allele origin: germline.
Comment: The p.E543Q variant (also known as c.1627G>C), located in coding exon 7 of the SH2B3 gene, results from a G to C substitution at nucleotide position 1627. The glutamic acid at codon 543 is replaced by glutamine, an amino acid with highly similar properties. This amino acid position is conserved. In addition, this alteration is predicted to be tolerated by in silico analysis. Based on the available evidence, the clinical significance of this variant remains unclear.

NM_005475.3(SH2B3):c.1627G>C (p.Glu543Gln)

Gene: SH2B3 (SH2B adaptor protein 3; plus strand). Cytogenetic location: 12q24.12.
Variant type: single nucleotide variant.
Coding change: c.1627G>C on transcript NM_005475.3 (MANE Select); coding-DNA position 1627, G replaced by C.
Protein change: p.Glu543Gln; replaces glutamic acid 543 with glutamine.
Molecular consequence: missense variant.
Genome position (GRCh38, 1-based): chr12:111,448,201, G>C. VCF-style: chr12-111448201-G-C. GRCh37 (hg19) VCF-style: chr12-111886005-G-C.
Other names: c.1021G>C, p.Glu341Gln (NM_001291424.1); short protein forms E543Q, E341Q.
Identifiers: ClinVar variation 3953530 (VCV003953530.1).